The following is an entry in ClinVar:

ClinVar aggregate classification (germline): Uncertain significance (1 of 4 stars; one submission).

Submission:

Dasa
Classification: Uncertain significance. Last evaluated: 2026-01-15. Review status: criteria provided, single submitter. Criteria: DASA Assertion Criteria. Collection method: clinical testing. Allele origin: germline.
Comment: NM_181523.3(PIK3R1):c.856C>T (p.Leu286Phe) is a missense variant that results in the substitution of leucine with phenylalanine. This variant is rare in population databases. Computational prediction algorithms are consistent with a benign effect. The currently available literature and clinical evidence are not sufficient to establish a definitive association between this variant and the reported condition. Therefore, this variant is classified as a variant of uncertain significance.

NM_181523.3(PIK3R1):c.856C>T (p.Leu286Phe)

Gene: PIK3R1 (phosphoinositide-3-kinase regulatory subunit 1; plus strand). Cytogenetic location: 5q13.1.
Variant type: single nucleotide variant.
Coding change: c.856C>T on transcript NM_181523.3 (MANE Select); coding-DNA position 856, C replaced by T.
Protein change: p.Leu286Phe; replaces leucine 286 with phenylalanine.
Molecular consequence: missense variant.
Genome position (GRCh38, 1-based): chr5:68,280,946, C>T. VCF-style: chr5-68280946-C-T. GRCh37 (hg19) VCF-style: chr5-67576774-C-T.
Other names: short protein forms L286F.
Identifiers: ClinVar variation 4884921 (VCV004884921.2).